The following is an entry in ClinVar:

NM_005188.4(CBL):c.913A>C (p.Ile305Leu)

Gene: CBL (Cbl proto-oncogene; plus strand). Cytogenetic location: 11q23.3.
Variant type: single nucleotide variant.
Coding change: c.913A>C on transcript NM_005188.4 (MANE Select); coding-DNA position 913, A replaced by C.
Protein change: p.Ile305Leu; replaces isoleucine 305 with leucine.
Molecular consequence: missense variant.
Genome position (GRCh38, 1-based): chr11:119,276,040, A>C. VCF-style: chr11-119276040-A-C. GRCh37 (hg19) VCF-style: chr11-119146750-A-C.
Other names: short protein forms I305L.
Identifiers: ClinVar variation 3995976 (VCV003995976.1).

ClinVar aggregate classification (germline): Uncertain significance (1 of 4 stars; one submission).

Conditions:
Cardiovascular phenotype. Identifiers: MedGen CN230736.

Submission:

Ambry Genetics
Classification: Uncertain significance for Cardiovascular phenotype. Last evaluated: 2025-03-20. Review status: criteria provided, single submitter. Criteria: Ambry Variant Classification Scheme 2023. Collection method: clinical testing. Allele origin: germline.
Comment: The p.I305L variant (also known as c.913A>C), located in coding exon 6 of the CBL gene, results from an A to C substitution at nucleotide position 913. The isoleucine at codon 305 is replaced by leucine, an amino acid with highly similar properties. This amino acid position is conserved. In addition, the in silico prediction for this alteration is inconclusive. Based on the available evidence, the clinical significance of this variant remains unclear.